The following is an entry in ClinVar:

NM_021072.4(HCN1):c.1902G>A (p.Gln634=)

Gene: HCN1 (hyperpolarization activated cyclic nucleotide gated potassium channel 1; minus strand). Cytogenetic location: 5p12.
Variant type: single nucleotide variant.
Coding change: c.1902G>A on transcript NM_021072.4 (MANE Select); coding-DNA position 1902, G replaced by A.
Protein change: p.Gln634=; no amino-acid change (glutamine 634 retained).
Molecular consequence: synonymous variant.
Genome position (GRCh38, 1-based): chr5:45,262,692, C>T on the plus strand (G>A on the coding strand, the complement: HCN1 is on the minus strand). VCF-style: chr5-45262692-C-T. GRCh37 (hg19) VCF-style: chr5-45262794-C-T.
Other names: c.1902G>A (NM_021072.3).
Identifiers: ClinVar variation 1550660 (VCV001550660.11), dbSNP rs192503845, ClinGen allele CA3259205.

ClinVar aggregate classification (germline): Likely benign. Review status: criteria provided, single submitter (1 of 4 stars). 2 submissions from 2 submitters: Likely benign (1). 1 of the submissions does not count toward it. Last evaluated 2025-05-22.

Conditions:
Early-infantile DEE. Also called: Ohtahara syndrome; Early infantile epileptic encephalopathy with suppression bursts; Early infantile epileptic encephalopathy. Identifiers: Orphanet 1934, MedGen C0393706, MONDO:0800491.
HCN1-related disorder. Also called: HCN1-related disorders; HCN1-related condition.

Allele frequency attached by ClinVar (database versions not stated): ExAC 0.00002; gnomAD exomes 0.00002; gnomAD 0.00014 and 0.00015; TOPMed 0.00022; 1000 Genomes Project 0.00080; 1000 Genomes Project 30x 0.00094.
gnomAD v4.1: 37 of 1,614,116 alleles (0.0023%); highest among the groups gnomAD compares: Admixed American, 0.04%; no homozygotes.

Submissions (2):

Labcorp Genetics (formerly Invitae), Labcorp
Classification: Likely benign for Early-infantile DEE. Last evaluated: 2025-05-22. Review status: criteria provided, single submitter. Criteria: Invitae Variant Classification Sherloc (09022015). Collection method: clinical testing. Allele origin: germline.

PreventionGenetics, part of Exact Sciences
Classification: Likely benign for HCN1-related condition. Last evaluated: 2022-03-01. Review status: no assertion criteria provided. Collection method: clinical testing. Allele origin: germline. Not counted in ClinVar's aggregate classification.
Comment: This variant is classified as likely benign based on ACMG/AMP sequence variant interpretation guidelines (Richards et al. 2015 PMID: 25741868, with internal and published modifications).